The following is an entry in ClinVar:

NM_001618.4(PARP1):c.1914C>T (p.Phe638=)

Gene: PARP1 (poly(ADP-ribose) polymerase 1; minus strand). Cytogenetic location: 1q42.12.
Variant type: single nucleotide variant.
Coding change: c.1914C>T on transcript NM_001618.4 (MANE Select); coding-DNA position 1914, C replaced by T.
Protein change: p.Phe638=; no amino-acid change (phenylalanine 638 retained).
Molecular consequence: synonymous variant.
Genome position (GRCh38, 1-based): chr1:226,377,135, G>A on the plus strand (C>T on the coding strand, the complement: PARP1 is on the minus strand). VCF-style: chr1-226377135-G-A. GRCh37 (hg19) VCF-style: chr1-226564836-G-A.
Identifiers: ClinVar variation 711740 (VCV000711740.5), dbSNP rs13306137, ClinGen allele CA1422662.

ClinVar aggregate classification (germline): Benign. Review status: criteria provided, single submitter (1 of 4 stars). 2 submissions from 2 submitters: Benign (1). 1 of the submissions does not count toward it. Last evaluated 2018-07-21.

Conditions:
PARP1-related disorder. Also called: PARP1-related condition.

Allele frequency attached by ClinVar (database versions not stated): ESP Exome Variant Server 0.00046; gnomAD 0.00131; gnomAD exomes 0.00142 and 0.00210; TOPMed 0.00188; ExAC 0.00203; 1000 Genomes Project 30x 0.00562; 1000 Genomes Project 0.00679.
gnomAD v4.1: 2,339 of 1,614,016 alleles (0.14%); highest among the groups gnomAD compares: East Asian, 3.8%; 47 homozygotes.

Submissions (2):

Labcorp Genetics (formerly Invitae), Labcorp
Classification: Benign. Last evaluated: 2018-07-21. Review status: criteria provided, single submitter. Criteria: Invitae Variant Classification Sherloc (09022015). Collection method: clinical testing. Allele origin: germline.

PreventionGenetics, part of Exact Sciences
Classification: Benign for PARP1-related condition. Last evaluated: 2019-03-18. Review status: no assertion criteria provided. Collection method: clinical testing. Allele origin: germline. Not counted in ClinVar's aggregate classification.
Comment: This variant is classified as benign based on ACMG/AMP sequence variant interpretation guidelines (Richards et al. 2015 PMID: 25741868, with internal and published modifications).